The following is an entry in ClinVar:

NM_015311.3(OBSL1):c.4989+1G>T

Gene: OBSL1 (obscurin like cytoskeletal adaptor 1; minus strand). Cytogenetic location: 2q35.
Variant type: single nucleotide variant.
Coding change: c.4989+1G>T on transcript NM_015311.3 (MANE Select); the canonical splice donor site of the intron after coding-DNA position 4989, G replaced by T.
Molecular consequence: splice donor variant.
Genome position (GRCh38, 1-based): chr2:219,553,573, C>A on the plus strand (G>T on the coding strand, the complement: OBSL1 is on the minus strand). VCF-style: chr2-219553573-C-A. GRCh37 (hg19) VCF-style: chr2-220418295-C-A.
Identifiers: ClinVar variation 3585684 (VCV003585684.3).

ClinVar aggregate classification (germline): Conflicting classifications of pathogenicity. Review status: criteria provided, conflicting classifications (1 of 4 stars). 2 submissions from 2 submitters: Likely pathogenic (1); Uncertain significance (1). Last evaluated 2024-10-15.

Conditions:
3M syndrome 2. Also called: 3-M Syndrome, OBSL1-Related; THREE M SYNDROME 2. Identifiers: Orphanet 2616, MedGen C2752041, MONDO:0013039, OMIM 612921.

gnomAD v4.1: 9 of 1,611,068 alleles (0.00056%); highest among the groups gnomAD compares: Admixed American, 0.01%; no homozygotes.

Submissions (2):

Labcorp Genetics (formerly Invitae), Labcorp
Classification: Uncertain significance. Last evaluated: 2024-10-15. Review status: criteria provided, single submitter. Criteria: Invitae Variant Classification Sherloc (09022015). Collection method: clinical testing. Allele origin: germline.
Comment: This sequence change affects a donor splice site in intron 16 of the OBSL1 gene. It is expected to disrupt RNA splicing. Variants that disrupt the donor or acceptor splice site typically lead to a loss of protein function (PMID: 16199547), however it is currently unclear if variants that occur in this region of the gene cause disease. The frequency data for this variant in the population databases is considered unreliable, as metrics indicate poor data quality at this position in the gnomAD database. This variant has not been reported in the literature in individuals affected with OBSL1-related conditions. Algorithms developed to predict the effect of sequence changes on RNA splicing suggest that this variant may disrupt the consensus splice site. In summary, the available evidence is currently insufficient to determine the role of this variant in disease. Therefore, it has been classified as a Variant of Uncertain Significance.

Fulgent Genetics
Classification: Likely pathogenic for 3M syndrome 2. Last evaluated: 2024-02-27. Review status: criteria provided, single submitter. Criteria: ACMG Guidelines, 2015. Collection method: clinical testing. Allele origin: germline.

Literature cited by the submitters: PubMed 16199547 (cited by Labcorp Genetics (formerly Invitae), Labcorp).